The following is an entry in ClinVar:

ClinVar aggregate classification (germline): Benign/Likely benign. Review status: criteria provided, multiple submitters, no conflicts (2 of 4 stars). 5 submissions from 5 submitters: Benign (1); Likely benign (3). 1 of the submissions does not count toward it. Last evaluated 2026-01-01.

Conditions:
CFAP53-related disorder. Also called: CFAP53-related condition.
Heterotaxy, visceral, 6, autosomal (HTX6). Also called: Heterotaxy, visceral, 6, autosomal recessive. Identifiers: Orphanet 450, MedGen C3553676, MONDO:0013887, OMIM 614779.

Allele frequency attached by ClinVar (database versions not stated): 1000 Genomes Project 30x 0.00062; 1000 Genomes Project 0.00080; TOPMed 0.00199; gnomAD 0.00207 and 0.00209; ESP Exome Variant Server 0.00221; ExAC 0.00242; gnomAD exomes 0.00256.

Submissions (5):

CeGaT Center for Human Genetics Tuebingen
Classification: Likely benign. Last evaluated: 2026-01-01. Review status: criteria provided, single submitter. Criteria: CeGaT Center For Human Genetics Tuebingen Variant Classification Criteria Version 2. Collection method: clinical testing. Allele origin: germline. Affected: yes. Observed: 6 variant alleles.
Comment: CFAP53: BP4, BS2

Labcorp Genetics (formerly Invitae), Labcorp
Classification: Benign for Heterotaxy, visceral, 6, autosomal. Last evaluated: 2025-11-24. Review status: criteria provided, single submitter. Criteria: Invitae Variant Classification Sherloc (09022015). Collection method: clinical testing. Allele origin: germline.

Genomic Medicine Center of Excellence, King Faisal Specialist Hospital and Research Centre
Classification: Likely benign. Last evaluated: 2025-08-18. Review status: criteria provided, single submitter. Criteria: ACMG Guidelines, 2015. Collection method: clinical testing. Allele origin: germline.

Blueprint Genetics
Classification: Likely benign. Last evaluated: 2024-11-22. Review status: criteria provided, single submitter. Criteria: ACMG Guidelines, 2015. Collection method: clinical testing. Allele origin: germline.

PreventionGenetics, part of Exact Sciences
Classification: Benign for CFAP53-related condition. Last evaluated: 2019-07-23. Review status: no assertion criteria provided. Collection method: clinical testing. Allele origin: germline. Not counted in ClinVar's aggregate classification.
Comment: This variant is classified as benign based on ACMG/AMP sequence variant interpretation guidelines (Richards et al. 2015 PMID: 25741868, with internal and published modifications).

NM_145020.5(CFAP53):c.494G>A (p.Arg165His)

Gene: CFAP53 (cilia and flagella associated protein 53; minus strand). Cytogenetic location: 18q21.1.
Variant type: single nucleotide variant.
Coding change: c.494G>A on transcript NM_145020.5 (MANE Select); coding-DNA position 494, G replaced by A.
Protein change: p.Arg165His; replaces arginine 165 with histidine.
Molecular consequence: missense variant.
Genome position (GRCh38, 1-based): chr18:50,251,764, C>T on the plus strand (G>A on the coding strand, the complement: CFAP53 is on the minus strand). VCF-style: chr18-50251764-C-T. GRCh37 (hg19) VCF-style: chr18-47778134-C-T.
Other names: c.494G>A (NM_145020.4); short protein forms R165H.
Identifiers: ClinVar variation 540466 (VCV000540466.38), dbSNP rs138848935, ClinGen allele CA8962369.